The following is an entry in ClinVar:

NM_000548.5(TSC2):c.2649_2651dup (p.Tyr884Ter)

Gene: TSC2 (TSC complex subunit 2; plus strand). Cytogenetic location: 16p13.3.
Variant type: Duplication.
Coding change: c.2649_2651dup on transcript NM_000548.5 (MANE Select); coding-DNA positions 2649 to 2651, 3 bases duplicated (GTA; older notation c.2649_2651dupGTA).
Protein change: p.Tyr884Ter; replaces tyrosine 884 with a stop codon.
Molecular consequence: nonsense.
Genome position (GRCh38, 1-based): chr16:2,076,077-2,076,079, GTA duplicated; duplicating any 3 consecutive bases within chr16:2,076,076-2,076,079 gives the same sequence; the c. name uses the placement nearest the transcript's 3' end. VCF-style (leftmost placement, unchanged base first): chr16-2076075-C-CAGT. GRCh37 (hg19) VCF-style: chr16-2126076-C-CAGT.
Other names: c.2649_2651dup, p.Tyr884Ter (NM_001077183.3, NM_001114382.3, NM_001363528.2 and 3 more transcripts); c.2538_2540dup, p.Tyr847Ter (NM_001318827.2); c.2502_2504dup, p.Tyr835Ter (NM_001318829.2); c.2049_2051dup, p.Tyr684Ter (NM_001318831.2); c.2682_2684dup, p.Tyr895Ter (NM_001318832.2); c.2649_2651dup, p.Tyr884_Phe1218delinsTer (NM_001406663.1, NM_001406664.1); c.2649_2651dup, p.Tyr884_Lys1218delinsTer (NM_001406665.1); c.2739_2741dup, p.Tyr914_Ala1248delinsTer (NM_001406667.1); and 18 more; short protein forms Y684*, Y847*, Y884*, Y835*, Y895*.
Identifiers: ClinVar variation 2017285 (VCV002017285.4), dbSNP rs2543904516, ClinGen allele CA2580090867.

ClinVar aggregate classification (germline): Pathogenic (1 of 4 stars; one submission).

Conditions:
Tuberous sclerosis 2 (TSC2). Identifiers: Orphanet 805, MedGen C1860707, MONDO:0013199, OMIM 613254.

Submission:

Labcorp Genetics (formerly Invitae), Labcorp
Classification: Pathogenic for Tuberous sclerosis 2. Last evaluated: 2022-07-15. Review status: criteria provided, single submitter. Criteria: Invitae Variant Classification Sherloc (09022015). Collection method: clinical testing. Allele origin: germline.
Comment: This sequence change creates a premature translational stop signal (p.Tyr884*) in the TSC2 gene. It is expected to result in an absent or disrupted protein product. Loss-of-function variants in TSC2 are known to be pathogenic (PMID: 10205261, 17304050). This variant is not present in population databases (gnomAD no frequency). This variant has not been reported in the literature in individuals affected with TSC2-related conditions. Algorithms developed to predict the effect of sequence changes on RNA splicing suggest that this variant may disrupt the consensus splice site. For these reasons, this variant has been classified as Pathogenic.

Literature cited by the submitters: PubMed 10205261; PubMed 17304050.